The following is an entry in ClinVar:

ClinVar aggregate classification (germline): Uncertain significance. Review status: criteria provided, multiple submitters, no conflicts (2 of 4 stars). 2 submissions from 2 submitters: Uncertain significance (2). Last evaluated 2026-01-27.

Conditions:
Inborn genetic diseases. Identifiers: MedGen C0950123, MeSH D030342.

gnomAD v4.1: 21 of 1,583,776 alleles (0.0013%); highest among the groups gnomAD compares: East Asian, 0.0023%; no homozygotes.

Submissions (2):

Labcorp Genetics (formerly Invitae), Labcorp
Classification: Uncertain significance. Last evaluated: 2026-01-27. Review status: criteria provided, single submitter. Criteria: Invitae Variant Classification Sherloc (09022015). Collection method: clinical testing. Allele origin: germline.
Comment: This sequence change replaces arginine, which is basic and polar, with histidine, which is basic and polar, at codon 1171 of the AP3D1 protein (p.Arg1171His). The frequency data for this variant in the population databases is considered unreliable, as metrics indicate poor data quality at this position in the gnomAD database. This variant has not been reported in the literature in individuals affected with AP3D1-related conditions. ClinVar contains an entry for this variant (Variation ID: 3614057). An algorithm developed to predict the effect of missense changes on protein structure and function (PolyPhen-2) suggests that this variant is likely to be tolerated. In summary, the available evidence is currently insufficient to determine the role of this variant in disease. Therefore, it has been classified as a Variant of Uncertain Significance.

Ambry Genetics
Classification: Uncertain significance for Inborn genetic diseases. Last evaluated: 2025-06-24. Review status: criteria provided, single submitter. Criteria: Ambry Variant Classification Scheme 2023. Collection method: clinical testing. Allele origin: germline.

NM_001261826.3(AP3D1):c.3512G>A (p.Arg1171His)

Gene: AP3D1 (adaptor related protein complex 3 subunit delta 1; minus strand). Cytogenetic location: 19p13.3.
Variant type: single nucleotide variant.
Coding change: c.3512G>A on transcript NM_001261826.3 (MANE Select); coding-DNA position 3512, G replaced by A.
Protein change: p.Arg1171His; replaces arginine 1171 with histidine.
Molecular consequence: missense variant.
Genome position (GRCh38, 1-based): chr19:2,108,727, C>T on the plus strand (G>A on the coding strand, the complement: AP3D1 is on the minus strand). VCF-style: chr19-2108727-C-T. GRCh37 (hg19) VCF-style: chr19-2108726-C-T.
Other names: c.3326G>A (NM_003938.5); c.3476G>A, p.Arg1159His (NM_001374799.1); c.3326G>A, p.Arg1109His (NM_003938.8); short protein forms R1109H, R1159H, R1171H.
Identifiers: ClinVar variation 3614057 (VCV003614057.3).